The following is an entry in ClinVar:

NM_006164.5(NFE2L2):c.1685T>G (p.Leu562Arg)

Gene: NFE2L2 (NFE2 like bZIP transcription factor 2; minus strand). Cytogenetic location: 2q31.2.
Variant type: single nucleotide variant.
Coding change: c.1685T>G on transcript NM_006164.5 (MANE Select); coding-DNA position 1685, T replaced by G.
Protein change: p.Leu562Arg; replaces leucine 562 with arginine.
Molecular consequence: missense variant.
Genome position (GRCh38, 1-based): chr2:177,230,918, A>C on the plus strand (T>G on the coding strand, the complement: NFE2L2 is on the minus strand). VCF-style: chr2-177230918-A-C. GRCh37 (hg19) VCF-style: chr2-178095646-A-C.
Other names: c.1685T>G (NM_006164.3, NM_006164.4); c.1637T>G, p.Leu546Arg (NM_001145412.3, NM_001313900.1, NM_001313901.1); c.1616T>G, p.Leu539Arg (NM_001145413.3); c.1595T>G, p.Leu532Arg (NM_001313902.2); c.1466T>G, p.Leu489Arg (NM_001313903.2); c.1385T>G, p.Leu462Arg (NM_001313904.1); short protein forms L539R, L562R, L546R, L462R, L489R, L532R.
Identifiers: ClinVar variation 2742082 (VCV002742082.6), dbSNP rs367873142, ClinGen allele CA1979664.

ClinVar aggregate classification (germline): Uncertain significance. Review status: criteria provided, multiple submitters, no conflicts (2 of 4 stars). 3 submissions from 3 submitters: Uncertain significance (2). 1 of the submissions does not count toward it. Last evaluated 2025-05-20.

Conditions:
NFE2L2-related disorder. Also called: NFE2L2-related condition.

Allele frequency attached by ClinVar (database versions not stated): ESP Exome Variant Server 0.00025; gnomAD 0.00012; gnomAD exomes 0.00001; ExAC 0.00004; TOPMed 0.00015.
gnomAD v4.1: 33 of 1,613,888 alleles (0.002%); highest among the groups gnomAD compares: African/African-American, 0.041%; no homozygotes.

Submissions (3):

Ambry Genetics
Classification: Uncertain significance. Last evaluated: 2025-05-20. Review status: criteria provided, single submitter. Criteria: Ambry Variant Classification Scheme 2023. Collection method: clinical testing. Allele origin: germline.

Labcorp Genetics (formerly Invitae), Labcorp
Classification: Uncertain significance. Last evaluated: 2025-04-14. Review status: criteria provided, single submitter. Criteria: Invitae Variant Classification Sherloc (09022015). Collection method: clinical testing. Allele origin: germline.
Comment: This sequence change replaces leucine, which is neutral and non-polar, with arginine, which is basic and polar, at codon 562 of the NFE2L2 protein (p.Leu562Arg). This variant is present in population databases (rs367873142, gnomAD 0.05%). This variant has not been reported in the literature in individuals affected with NFE2L2-related conditions. ClinVar contains an entry for this variant (Variation ID: 2742082). Invitae Evidence Modeling of protein sequence and biophysical properties (such as structural, functional, and spatial information, amino acid conservation, physicochemical variation, residue mobility, and thermodynamic stability) indicates that this missense variant is not expected to disrupt NFE2L2 protein function with a negative predictive value of 80%. In summary, the available evidence is currently insufficient to determine the role of this variant in disease. Therefore, it has been classified as a Variant of Uncertain Significance.

PreventionGenetics, part of Exact Sciences
Classification: Likely benign for NFE2L2-related condition. Last evaluated: 2023-09-15. Review status: no assertion criteria provided. Collection method: clinical testing. Allele origin: germline. Not counted in ClinVar's aggregate classification.
Comment: This variant is classified as likely benign based on ACMG/AMP sequence variant interpretation guidelines (Richards et al. 2015 PMID: 25741868, with internal and published modifications).